The following is an entry in ClinVar:

NM_144997.7(FLCN):c.563T>C (p.Phe188Ser)

Gene: FLCN (folliculin; minus strand). Cytogenetic location: 17p11.2.
Variant type: single nucleotide variant.
Coding change: c.563T>C on transcript NM_144997.7 (MANE Select); coding-DNA position 563, T replaced by C.
Protein change: p.Phe188Ser; replaces phenylalanine 188 with serine.
Molecular consequence: missense variant.
Genome position (GRCh38, 1-based): chr17:17,223,977, A>G on the plus strand (T>C on the coding strand, the complement: FLCN is on the minus strand). VCF-style: chr17-17223977-A-G. GRCh37 (hg19) VCF-style: chr17-17127291-A-G.
Other names: c.617T>C, p.Phe206Ser (NM_001353229.2); c.563T>C, p.Phe188Ser (NM_001353230.2, NM_001353231.2, NM_144606.7); short protein forms F188S, F206S.
Identifiers: ClinVar variation 4741283 (VCV004741283.1).

ClinVar aggregate classification (germline): Uncertain significance (1 of 4 stars; one submission).

Conditions:
Birt-Hogg-Dube syndrome. Also called: Birt Hogg Dubé syndrome. Identifiers: Orphanet 122, MedGen C0346010, MONDO:0800444.

Submission:

Labcorp Genetics (formerly Invitae), Labcorp
Classification: Uncertain significance for Birt-Hogg-Dube syndrome. Last evaluated: 2025-02-17. Review status: criteria provided, single submitter. Criteria: Invitae Variant Classification Sherloc (09022015). Collection method: clinical testing. Allele origin: germline.
Comment: This sequence change replaces phenylalanine, which is neutral and non-polar, with serine, which is neutral and polar, at codon 188 of the FLCN protein (p.Phe188Ser). This variant is not present in population databases (gnomAD no frequency). This variant has not been reported in the literature in individuals affected with FLCN-related conditions. Invitae Evidence Modeling of protein sequence and biophysical properties (such as structural, functional, and spatial information, amino acid conservation, physicochemical variation, residue mobility, and thermodynamic stability) indicates that this missense variant is expected to disrupt FLCN protein function with a positive predictive value of 80%. In summary, the available evidence is currently insufficient to determine the role of this variant in disease. Therefore, it has been classified as a Variant of Uncertain Significance.